The following is an entry in ClinVar:

ClinVar aggregate classification (germline): Likely pathogenic (1 of 4 stars; one submission).

gnomAD v4.1: 3 of 1,614,010 alleles (0.00019%); highest among the groups gnomAD compares: Non-Finnish European, 0.00025%; no homozygotes.

Submission:

Labcorp Genetics (formerly Invitae), Labcorp
Classification: Likely pathogenic. Last evaluated: 2025-07-03. Review status: criteria provided, single submitter. Criteria: Invitae Variant Classification Sherloc (09022015). Collection method: clinical testing. Allele origin: germline.
Comment: This sequence change affects a donor splice site in intron 4 of the C9 gene. It is expected to disrupt RNA splicing. Variants that disrupt the donor or acceptor splice site typically lead to a loss of protein function (PMID: 16199547), and loss-of-function variants in C9 are known to be pathogenic (PMID: 9144525, 9570574). This variant is present in population databases (no rsID available, gnomAD 0.0009%). This variant has not been reported in the literature in individuals affected with C9-related conditions. Algorithms developed to predict the effect of sequence changes on RNA splicing suggest that this variant may disrupt the consensus splice site. In summary, the currently available evidence indicates that the variant is pathogenic, but additional data are needed to prove that conclusively. Therefore, this variant has been classified as Likely Pathogenic.

Literature cited by the submitters: PubMed 16199547; PubMed 9144525; PubMed 9570574.

NM_001737.5(C9):c.476+2T>C

Gene: C9 (complement C9; minus strand). Cytogenetic location: 5p13.1.
Variant type: single nucleotide variant.
Coding change: c.476+2T>C on transcript NM_001737.5 (MANE Select); the canonical splice donor site of the intron after coding-DNA position 476, T replaced by C.
Molecular consequence: splice donor variant.
Genome position (GRCh38, 1-based): chr5:39,341,144, A>G on the plus strand (T>C on the coding strand, the complement: C9 is on the minus strand). VCF-style: chr5-39341144-A-G. GRCh37 (hg19) VCF-style: chr5-39341246-A-G.
Identifiers: ClinVar variation 4720695 (VCV004720695.1).
Genomic context (GRCh38, chr5:39,341,144, plus strand): 5'-TGAGAGAGATGGAGATCATTTTCACTCATTTTCATCTGAAAAAGTACAAGTAAAATACAC[A>G]CCCATAGCCTGCTGTTCGTGCCAGCTCAGACTCTTCTACCACTCTGTCTCTGCAGGGGGG-3'